The following is an entry in ClinVar:

NM_007254.4(PNKP):c.*21A>C

Gene: PNKP (polynucleotide kinase 3'-phosphatase; minus strand). Cytogenetic location: 19q13.33.
Variant type: single nucleotide variant.
Coding change: c.*21A>C on transcript NM_007254.4 (MANE Select); 21 bases downstream of the stop codon, A replaced by C.
Molecular consequence: 3 prime UTR variant.
Genome position (GRCh38, 1-based): chr19:49,861,227, T>G on the plus strand (A>C on the coding strand, the complement: PNKP is on the minus strand). VCF-style: chr19-49861227-T-G. GRCh37 (hg19) VCF-style: chr19-50364484-T-G.
Identifiers: ClinVar variation 329890 (VCV000329890.6), dbSNP rs201872477, ClinGen allele CA9586297.

ClinVar aggregate classification (germline): Benign. Review status: criteria provided, multiple submitters, no conflicts (2 of 4 stars). 2 submissions from 2 submitters: Benign (2). Last evaluated 2018-01-12.

Conditions:
Microcephaly, seizures, and developmental delay. Identifiers: Orphanet 1934, MedGen C3150667, MONDO:0013254, OMIM 613402.

Allele frequency attached by ClinVar (database versions not stated): 1000 Genomes Project 0.00439; gnomAD 0.00444 and 0.00479; 1000 Genomes Project 30x 0.00406; ESP Exome Variant Server 0.00570; TOPMed 0.00474.
gnomAD v4.1: 10,734 of 1,489,272 alleles (0.72%); highest among the groups gnomAD compares: South Asian, 1.8%; 71 homozygotes.

Submissions (2):

Illumina Laboratory Services, Illumina
Classification: Benign for Microcephaly, seizures, and developmental delay. Last evaluated: 2018-01-12. Review status: criteria provided, single submitter. Criteria: ICSL Variant Classification Criteria 13 December 2019. Collection method: clinical testing. Allele origin: germline.
Comment: This variant was observed in the ICSL laboratory as part of a predisposition screen in an ostensibly healthy population. It had not been previously curated by ICSL or reported in the Human Gene Mutation Database (HGMD: prior to June 1st, 2018), and was therefore a candidate for classification through an automated scoring system. Utilizing variant allele frequency, disease prevalence and penetrance estimates, and inheritance mode, an automated score was calculated to assess if this variant is too frequent to cause the disease. Based on the score and internal cut-off values, a variant classified as benign is not then subjected to further curation. The score for this variant resulted in a classification of benign for this disease.

Breakthrough Genomics
Classification: Benign. Review status: criteria provided, single submitter. Criteria: ACMG Guidelines, 2015. Collection method: not provided. Allele origin: germline. Inheritance: Autosomal recessive inheritance. Affected: yes.